The following is an entry in ClinVar:

NM_002834.5(PTPN11):c.1528C>G (p.Gln510Glu)

Gene: PTPN11 (protein tyrosine phosphatase non-receptor type 11; plus strand). Cytogenetic location: 12q24.13.
Variant type: single nucleotide variant.
Coding change: c.1528C>G on transcript NM_002834.5 (MANE Select); coding-DNA position 1528, C replaced by G.
Protein change: p.Gln510Glu; replaces glutamine 510 with glutamic acid.
Molecular consequence: missense variant.
Genome position (GRCh38, 1-based): chr12:112,489,104, C>G. VCF-style: chr12-112489104-C-G. GRCh37 (hg19) VCF-style: chr12-112926908-C-G.
Other names: p.Q510E:CAG>GAG; c.1540C>G, p.Gln514Glu (NM_001330437.2); c.1525C>G, p.Gln509Glu (NM_001374625.1); short protein forms Q510E, Q514E, Q509E.
Identifiers: ClinVar variation 40566 (VCV000040566.78), dbSNP rs397507549, ClinGen allele CA273420.
Genomic context (GRCh38, chr12:112,489,104, plus strand): 5'-GTTCCCAAAACCATCCAGATGGTGCGGTCTCAGAGGTCAGGGATGGTCCAGACAGAAGCA[C>G]AGTACCGATTTATCTATATGGCGGTCCAGCATTATATTGAAACACTACAGCGCAGGATTG-3'
Protein context (NP_002825.3, residues 500-520): QRSGMVQTEA[Gln510Glu]YRFIYMAVQH

ClinVar aggregate classification (germline): Pathogenic. Review status: criteria provided, multiple submitters, no conflicts (2 of 4 stars). 24 submissions from 23 submitters: Pathogenic (22). 2 of the submissions do not count toward it. Last evaluated 2025-10-06.

Conditions:
Cardiovascular phenotype. Identifiers: MedGen CN230736.
Autosomal dominant PTPN11-related disorders.
PTPN11-related disorder. Also called: PTPN11-Related Disorders.
Noonan syndrome (NS). Also called: Noonan's syndrome. Identifiers: Orphanet 648, MedGen C0028326, MeSH D009634, MONDO:0018997. Disease mechanism: gain of function.
Noonan syndrome with multiple lentigines. Identifiers: Orphanet 500, MedGen C0175704, MONDO:0007893.
RASopathy. Also called: rasopathies; Noonan spectrum disorder. Identifiers: Orphanet 536391, MedGen C5555857, MONDO:0021060.
LEOPARD syndrome 1 (LPRD1). Also called: LENTIGINOSIS, CARDIOMYOPATHIC; MULTIPLE LENTIGINES SYNDROME; PTPN11-Related LEOPARD Syndrome. Identifiers: Orphanet 500, MedGen C4551484, MONDO:0100082, OMIM 151100.
Noonan syndrome 1 (NS1). Also called: FEMALE PSEUDO-TURNER SYNDROME; TURNER PHENOTYPE WITH NORMAL KARYOTYPE; PTPN11-Related Noonan Syndrome. Identifiers: Orphanet 648, MedGen C4551602, MONDO:0008104, OMIM 163950. Disease mechanism: gain of function.
Noonan syndrome 3 (NS3). Also called: KRAS-Related Noonan Syndrome. Identifiers: Orphanet 648, MedGen C1860991, MONDO:0012371, OMIM 609942.

Submissions 1 to 9 of 24:

PreventionGenetics, part of Exact Sciences
Classification: Pathogenic for PTPN11-related condition. Last evaluated: 2025-10-06. Review status: criteria provided, single submitter. Criteria: ACMG Guidelines, 2015. Collection method: clinical testing. Allele origin: germline.
Comment: The PTPN11 c.1528C>G variant is predicted to result in the amino acid substitution p.Gln510Glu. This variant has been reported in many individuals with Noonan syndrome or Noonan syndrome with multiple lentigines, including more than 10 de novo cases. Of note, many of the reported individuals have hypertrophic cardiomyopathy (see for example, Takahashi et al. 2005. PubMed ID: 15889278; Digilio et al. 2006. PubMed ID: 16733669; Meng et al. 2017. PubMed ID: 28973083; Vasilescu et al. 2018. PubMed ID: 30384889; Chen et al. 2019. PubMed ID: 30732632; Pezzoli et al. 2021. PubMed ID: 35050212). Functional studies in cell cultures and animal models showed that this variant alters PTPN11 phosphatase activities, attenuates myofibrillogenesis, and increases cardiomyocyte sizes (Ishida et al. 2011. PubMed ID: 21803945; Schramm et al. 2012. PubMed ID: 22058153). This variant has not been reported in a large population database (gnomAD), indicating this variant is rare. Alternate nucleotide changes affecting the same amino acid (p.Gln510Arg, p.Gln510His, p.Gln510Pro) have been reported in individuals with PTPN11-related RASopathies (Table S2, Leach et al. 2019. PubMed ID: 29907801; Chinton et al. 2019. PubMed ID: 31560489). Taken together, the c.1528C>G (p.Gln510Glu) variant is interpreted as pathogenic.

Labcorp Genetics (formerly Invitae), Labcorp
Classification: Pathogenic for RASopathy. Last evaluated: 2025-10-05. Review status: criteria provided, single submitter. Criteria: Invitae Variant Classification Sherloc (09022015). Collection method: clinical testing. Allele origin: germline.
Comment: This sequence change replaces glutamine, which is neutral and polar, with glutamic acid, which is acidic and polar, at codon 510 of the PTPN11 protein (p.Gln510Glu). This variant is not present in population databases (gnomAD no frequency). This missense change has been observed in individual(s) with Noonan syndrome and/or Noonan syndrome with multiple lentigines (NSML, formerly known as LEOPARD syndrome) (PMID: 15889278, 16733669, 19077116, 19582499, 20954246, 21677813, 22190897, 25708222). In at least one individual the variant was observed to be de novo. ClinVar contains an entry for this variant (Variation ID: 40566). Invitae Evidence Modeling incorporating data from in vitro experimental studies (internal data) indicates that this missense variant is expected to disrupt PTPN11 function with a positive predictive value of 95%. Experimental studies have shown that this missense change affects PTPN11 function (PMID: 21803945, 22058153, 23673659, 24935154, 25708222, 26742426). This variant disrupts the p.Gln510 amino acid residue in PTPN11. Other variant(s) that disrupt this residue have been determined to be pathogenic (PMID: 2057894, 15520399, 15690106, 16358218). This suggests that this residue is clinically significant, and that variants that disrupt this residue are likely to be disease-causing. For these reasons, this variant has been classified as Pathogenic.

Genesolutions, Medical Genetics Institutes, Ho Chi Minh City, Vietnam
Classification: Pathogenic for Noonan syndrome 1. Last evaluated: 2025-09-24. Review status: criteria provided, single submitter. Criteria: ACMG Guidelines, 2015. Collection method: clinical testing. Allele origin: germline. Affected: yes.

Variantyx, Inc.
Classification: Pathogenic for Autosomal dominant PTPN11-related disorders. Last evaluated: 2025-09-21. Review status: criteria provided, single submitter. Criteria: Variantyx Assertion Criteria 2022. Collection method: clinical testing. Allele origin: de novo. Inheritance: Autosomal dominant inheritance. Affected: yes.
Comment: This is a nonsynonymous variant in the PTPN11 gene (OMIM: 176876). Pathogenic variants in this gene have been associated with autosomal dominant PTPN11-related disorders. This variant has been reported in several unrelated individuals affected with features of Noonan syndrome-related RASopathy (PMID: 19077116, 19582499, 20954246, 21677813, 25708222) (PS4). Functional studies have shown that this variant alters PTPN11 protein function (PMID: 25708222, 26742426) (PS3), and multiple computational algorithms predict a deleterious effect for this variant (REVEL score: 0.958) (PP3). Moreover, alternate amino acid changes at this position (p.Gln510Arg, p.Gln510Pro, p.Gln510His) have been previously reported in similarly affected individuals, which suggests that this residue is biologically important (PMID: 21910226, 15520399, 15889278) (PM5_Strong). This variant is absent from control populations (PM2). Based on the current evidence, this variant is classified as pathogenic for autosomal dominant PTPN11-related disorders.

3billion
Classification: Pathogenic for Noonan syndrome 1. Last evaluated: 2025-06-25. Review status: criteria provided, single submitter. Criteria: ACMG Guidelines, 2015. Collection method: clinical testing. Allele origin: germline. Affected: yes.
Comment: The variant is not observed in the gnomAD v4.1.0 dataset. Predicted Consequence/Location: Missense variant. Missense changes are a common disease-causing mechanism. In silico tool predictions suggest damaging effect of the variant on gene or gene product [REVEL: 0.96 (>=0.6, sensitivity 0.68 and specificity 0.92); 3Cnet: 0.99 (> 0.75, sensitivity 0.96 and precision 0.92)]. The same nucleotide change resulting in the same amino acid change has been previously reported as pathogenic/likely pathogenic with strong evidence (ClinVar ID: VCV000040566 /PMID: 15889278 /3billion dataset). Different missense changes at the same codon (p.Gln510Arg, p.Gln510His, p.Gln510Leu, p.Gln510Pro) have been reported as pathogenic/likely pathogenic with strong evidence (ClinVar ID: VCV000013344, VCV000013345, VCV000040567, VCV000811634, VCV000981537 /PMID: 15520399, 15948193, 21910226, 27193571, 35278234 /3billion dataset). Therefore, this variant is classified as Pathogenic according to the recommendation of ACMG/AMP guideline.

Laboratory of Genetics, Children's Clinical University Hospital Latvia
Classification: Pathogenic. Last evaluated: 2025-02-16. Review status: criteria provided, single submitter. Criteria: ACMG Guidelines, 2015. Collection method: clinical testing. Allele origin: germline. Affected: yes.

Mayo Clinic Laboratories, Mayo Clinic
Classification: Pathogenic. Last evaluated: 2025-01-27. Review status: criteria provided, single submitter. Criteria: ACMG Guidelines, 2015. Collection method: clinical testing. Allele origin: germline. Observed: 1 variant allele.
Comment: PP2, PP3, PM2_supporting, PM5_strong, PM6_very_strong, PS4

Division of Genetic & Genomic Pathology, Hong Kong Children's Hospital
Classification: Pathogenic for RASopathy. Last evaluated: 2024-12-12. Review status: criteria provided, single submitter. Criteria: ACMG Guidelines, 2015. Collection method: clinical testing. Allele origin: germline. Affected: yes.
Comment: PTPN11 c.1528C>G p.(Gln510Glu) is a missense variant located in exon 13. The variant is absent from control populations (gnomAD v2.1.1 and v4.1.0). The variant has been detected in multiple RASopathy patients (PMID: 15889278, 16733669, 21677813, 28973083, 30732632, 35050212; ClinVar accession: VCV000040566.56). Two missense variants affecting the same amino acid residue, p.(Gln510Pro) and p.(Gln510His), have been classified as pathogenic by the ClinGen RASopathy Variant Curation Expert Panel (ClinVar accession: VCV000013344.38 and VCV000040567.25). For these reasons, the PTPN11 c.1528C>G p.(Gln510Glu) variant is classified as pathogenic according to the ClinGen PTPN11 variant interpretation guideline (V2.3.0).

Daryl Scott Lab, Baylor College of Medicine
Classification: Pathogenic for PTPN11-related disorder. Last evaluated: 2024-01-01. Review status: criteria provided, single submitter. Criteria: ACMG Guidelines, 2015. Collection method: clinical testing. Allele origin: unknown. Affected: yes. Observed: 1 heterozygote.
Comment: PS2, PS3, PS4, PM2, PM5, PP3